The following is an entry in ClinVar:

NM_016122.3(CEP83):c.584G>A (p.Arg195His)

Gene: CEP83 (centrosomal protein 83; minus strand). Cytogenetic location: 12q22.
Variant type: single nucleotide variant.
Coding change: c.584G>A on transcript NM_016122.3 (MANE Select); coding-DNA position 584, G replaced by A.
Protein change: p.Arg195His; replaces arginine 195 with histidine.
Molecular consequence: missense variant. On other transcripts: non-coding transcript variant (3).
Genome position (GRCh38, 1-based): chr12:94,379,008, C>T on the plus strand (G>A on the coding strand, the complement: CEP83 is on the minus strand). VCF-style: chr12-94379008-C-T. GRCh37 (hg19) VCF-style: chr12-94772784-C-T.
Other names: c.584G>A, p.Arg195His (NM_001042399.2, NM_001346457.2, NM_001346460.2 and 3 more transcripts); c.272G>A, p.Arg91His (NM_001346458.2, NM_001346459.2, NM_001346462.2 and 2 more transcripts); c.359G>A, p.Arg120His (NM_001368041.1); c.47G>A, p.Arg16His (NM_001368042.1); short protein forms R16H, R120H, R195H, R91H.
Identifiers: ClinVar variation 1508239 (VCV001508239.3), dbSNP rs201341346, ClinGen allele CA6721887.
Genomic context (GRCh38, chr12:94,379,008, plus strand): 5'-CGAGCAAGTTGTTCCACTCGTTTGCTGTCTTTTGTGAGATCAACATTAAGCAGCTGGTTA[C>T]GTAGTTCTTCTTTATCTTCCTCCAGTCTTGCAATCTAATAATAATTTTAAAGAAAGCATA-3'
Protein context (NP_057206.2, residues 185-205): ARLEEDKEEL[Arg195His]NQLLNVDLTK

ClinVar aggregate classification (germline): Uncertain significance (1 of 4 stars; one submission).

Conditions:
Nephronophthisis 18 (NPHP18). Identifiers: Orphanet 655, MedGen C3890591, MONDO:0014374, OMIM 615862.

Submission:

Labcorp Genetics (formerly Invitae), Labcorp
Classification: Uncertain significance for Nephronophthisis 18. Last evaluated: 2022-09-27. Review status: criteria provided, single submitter. Criteria: Invitae Variant Classification Sherloc (09022015). Collection method: clinical testing. Allele origin: germline.
Comment: This sequence change replaces arginine, which is basic and polar, with histidine, which is basic and polar, at codon 195 of the CEP83 protein (p.Arg195His). This variant is present in population databases (rs201341346, gnomAD 0.01%). This variant has not been reported in the literature in individuals affected with CEP83-related conditions. ClinVar contains an entry for this variant (Variation ID: 1508239). Advanced modeling of protein sequence and biophysical properties (such as structural, functional, and spatial information, amino acid conservation, physicochemical variation, residue mobility, and thermodynamic stability) performed at Invitae indicates that this missense variant is not expected to disrupt CEP83 protein function. In summary, the available evidence is currently insufficient to determine the role of this variant in disease. Therefore, it has been classified as a Variant of Uncertain Significance.